The following is an entry in ClinVar:

ClinVar aggregate classification (germline): Uncertain significance (1 of 4 stars; one submission).

Submission:

Labcorp Genetics (formerly Invitae), Labcorp
Classification: Uncertain significance. Last evaluated: 2024-04-15. Review status: criteria provided, single submitter. Criteria: Invitae Variant Classification Sherloc (09022015). Collection method: clinical testing. Allele origin: germline.
Comment: This sequence change replaces tryptophan, which is neutral and slightly polar, with leucine, which is neutral and non-polar, at codon 128 of the LAMA5 protein (p.Trp128Leu). This variant is not present in population databases (gnomAD no frequency). This variant has not been reported in the literature in individuals affected with LAMA5-related conditions. An algorithm developed to predict the effect of missense changes on protein structure and function (PolyPhen-2) suggests that this variant is likely to be disruptive. In summary, the available evidence is currently insufficient to determine the role of this variant in disease. Therefore, it has been classified as a Variant of Uncertain Significance.

NM_005560.6(LAMA5):c.383G>T (p.Trp128Leu)

Gene: LAMA5 (laminin subunit alpha 5; minus strand). Cytogenetic location: 20q13.33.
Variant type: single nucleotide variant.
Coding change: c.383G>T on transcript NM_005560.6 (MANE Select); coding-DNA position 383, G replaced by T.
Protein change: p.Trp128Leu; replaces tryptophan 128 with leucine.
Molecular consequence: missense variant.
Genome position (GRCh38, 1-based): chr20:62,362,467, C>A on the plus strand (G>T on the coding strand, the complement: LAMA5 is on the minus strand). VCF-style: chr20-62362467-C-A. GRCh37 (hg19) VCF-style: chr20-60937523-C-A.
Other names: short protein forms W128L.
Identifiers: ClinVar variation 3688249 (VCV003688249.1).